The following is an entry in ClinVar:

NM_020458.4(TTC7A):c.1426A>G (p.Ile476Val)

Gene: TTC7A (tetratricopeptide repeat domain 7A; plus strand). Cytogenetic location: 2p21.
Variant type: single nucleotide variant.
Coding change: c.1426A>G on transcript NM_020458.4 (MANE Select); coding-DNA position 1426, A replaced by G.
Protein change: p.Ile476Val; replaces isoleucine 476 with valine.
Molecular consequence: missense variant.
Genome position (GRCh38, 1-based): chr2:47,021,895, A>G. VCF-style: chr2-47021895-A-G. GRCh37 (hg19) VCF-style: chr2-47249034-A-G.
Other names: c.1426A>G, p.Ile476Val (NM_001288951.2); c.1324A>G, p.Ile442Val (NM_001288953.2); c.364A>G, p.Ile122Val (NM_001288955.2); c.1426A>G (NM_020458.2); short protein forms I122V, I442V, I476V.
Identifiers: ClinVar variation 1047617 (VCV001047617.11), dbSNP rs966188725, ClinGen allele CA46634548.

ClinVar aggregate classification (germline): Uncertain significance. Review status: criteria provided, multiple submitters, no conflicts (2 of 4 stars). 2 submissions from 2 submitters: Uncertain significance (2). Last evaluated 2023-06-05.

Conditions:
Multiple gastrointestinal atresias. Also called: FAMILIAL INTESTINAL POLYATRESIA SYNDROME; Multiple intestinal atresia. Identifiers: Orphanet 2300, MedGen C0220744, MONDO:0009465.
Inborn genetic diseases. Identifiers: MedGen C0950123, MeSH D030342.

Allele frequency attached by ClinVar (database versions not stated): gnomAD exomes below 0.00001; gnomAD 0.00001; TOPMed 0.00001.
gnomAD v4.1: 6 of 1,614,010 alleles (0.00037%); highest among the groups gnomAD compares: Admixed American, 0.01%; no homozygotes.

Submissions (2):

Ambry Genetics
Classification: Uncertain significance for Inborn genetic diseases. Last evaluated: 2023-06-05. Review status: criteria provided, single submitter. Criteria: Ambry Variant Classification Scheme 2023. Collection method: clinical testing. Allele origin: germline.

Labcorp Genetics (formerly Invitae), Labcorp
Classification: Uncertain significance for Multiple gastrointestinal atresias. Last evaluated: 2022-06-22. Review status: criteria provided, single submitter. Criteria: Invitae Variant Classification Sherloc (09022015). Collection method: clinical testing. Allele origin: germline.
Comment: This sequence change replaces isoleucine, which is neutral and non-polar, with valine, which is neutral and non-polar, at codon 476 of the TTC7A protein (p.Ile476Val). This variant is not present in population databases (gnomAD no frequency). This variant has not been reported in the literature in individuals affected with TTC7A-related conditions. ClinVar contains an entry for this variant (Variation ID: 1047617). Algorithms developed to predict the effect of missense changes on protein structure and function output the following: SIFT: "Tolerated"; PolyPhen-2: "Benign"; Align-GVGD: "Class C0". The valine amino acid residue is found in multiple mammalian species, which suggests that this missense change does not adversely affect protein function. Algorithms developed to predict the effect of sequence changes on RNA splicing suggest that this variant may create or strengthen a splice site. In summary, the available evidence is currently insufficient to determine the role of this variant in disease. Therefore, it has been classified as a Variant of Uncertain Significance.